The following is an entry in ClinVar:

NM_006019.4(TCIRG1):c.909C>A (p.Tyr303Ter)

Gene: TCIRG1 (T cell immune regulator 1, ATPase H+ transporting V0 subunit a3; plus strand). Cytogenetic location: 11q13.2.
Variant type: single nucleotide variant.
Coding change: c.909C>A on transcript NM_006019.4 (MANE Select); coding-DNA position 909, C replaced by A.
Protein change: p.Tyr303Ter; replaces tyrosine 303 with a stop codon.
Molecular consequence: nonsense.
Genome position (GRCh38, 1-based): chr11:68,044,233, C>A. VCF-style: chr11-68044233-C-A. GRCh37 (hg19) VCF-style: chr11-67811700-C-A.
Other names: c.15C>A, p.Tyr5Ter (NM_001351059.2); c.261C>A, p.Tyr87Ter (NM_006053.4); short protein forms Y5*, Y303*, Y87*.
Identifiers: ClinVar variation 2137170 (VCV002137170.5), dbSNP rs1461150815, ClinGen allele CA381580436.

ClinVar aggregate classification (germline): Pathogenic. Review status: criteria provided, multiple submitters, no conflicts (2 of 4 stars). 2 submissions from 2 submitters: Pathogenic (2). Last evaluated 2025-03-26.

Conditions:
Autosomal recessive osteopetrosis 1. Also called: TCIRG1-Related Autosomal Recessive Osteopetrosis; TCIRG1-Related Osteopetrosis; ALBERS-SCHONBERG DISEASE, AUTOSOMAL RECESSIVE. Identifiers: Orphanet 667, MedGen C1850127, MONDO:0009815, OMIM 259700.

Submissions (2):

Myriad Genetics, Inc.
Classification: Pathogenic for Autosomal recessive osteopetrosis 1. Last evaluated: 2025-03-26. Review status: criteria provided, single submitter. Criteria: Myriad Autosomal Dominant, Autosomal Recessive and X-Linked Classification Criteria (2023). Collection method: clinical testing. Allele origin: unknown.
Comment: NM_006019.3(TCIRG1):c.909C>A(Y303*) is a nonsense variant classified as pathogenic in the context of autosomal recessive osteopetrosis type 1. Y303* has been observed in a case with relevant disease (PMID: 24535484). Relevant functional assessments of this variant are not available in the literature. Y303* has not been observed in referenced population frequency databases. In summary, NM_006019.3(TCIRG1):c.909C>A(Y303*) is a nonsense variant that has been observed more frequently in cases with the relevant disease than in healthy populations. Please note: this variant was assessed in the context of healthy population screening.

Labcorp Genetics (formerly Invitae), Labcorp
Classification: Pathogenic. Last evaluated: 2023-07-18. Review status: criteria provided, single submitter. Criteria: Invitae Variant Classification Sherloc (09022015). Collection method: clinical testing. Allele origin: germline.
Comment: For these reasons, this variant has been classified as Pathogenic. ClinVar contains an entry for this variant (Variation ID: 2137170). This premature translational stop signal has been observed in individual(s) with osteopetrosis (PMID: 24535484). This variant is not present in population databases (gnomAD no frequency). This sequence change creates a premature translational stop signal (p.Tyr303*) in the TCIRG1 gene. It is expected to result in an absent or disrupted protein product. Loss-of-function variants in TCIRG1 are known to be pathogenic (PMID: 10888887, 10942435, 11532986, 19448635).

Literature cited by the submitters: PubMed 24535484 (cited by Myriad Genetics, Inc. and Labcorp Genetics (formerly Invitae), Labcorp); PubMed 10888887 (cited by Labcorp Genetics (formerly Invitae), Labcorp); PubMed 10942435 (cited by Labcorp Genetics (formerly Invitae), Labcorp); PubMed 11532986 (cited by Labcorp Genetics (formerly Invitae), Labcorp); PubMed 19448635 (cited by Labcorp Genetics (formerly Invitae), Labcorp).